The following is an entry in ClinVar:

NM_000414.4(HSD17B4):c.947C>T (p.Ala316Val)

Gene: HSD17B4 (hydroxysteroid 17-beta dehydrogenase 4; plus strand). Cytogenetic location: 5q23.1.
Variant type: single nucleotide variant.
Coding change: c.947C>T on transcript NM_000414.4 (MANE Select); coding-DNA position 947, C replaced by T.
Protein change: p.Ala316Val; replaces alanine 316 with valine.
Molecular consequence: missense variant. On other transcripts: non-coding transcript variant (2).
Genome position (GRCh38, 1-based): chr5:119,496,621, C>T. VCF-style: chr5-119496621-C-T. GRCh37 (hg19) VCF-style: chr5-118832316-C-T.
Other names: c.1022C>T, p.Ala341Val (NM_001199291.3); c.893C>T, p.Ala298Val (NM_001199292.2); c.875C>T, p.Ala292Val (NM_001292027.2); c.527C>T, p.Ala176Val (NM_001292028.2); c.938C>T, p.Ala313Val (NM_001374497.1); c.947C>T, p.Ala316Val (NM_001374498.1); c.620C>T, p.Ala207Val (NM_001374499.1); c.506C>T, p.Ala169Val (NM_001374500.1); and 1 more; short protein forms A298V, A169V, A292V, A316V, A341V, A179V, A207V, A313V.
Identifiers: ClinVar variation 5009984 (VCV005009984.1).

ClinVar aggregate classification (germline): Uncertain significance (1 of 4 stars; one submission).

gnomAD v4.1: 5 of 1,597,958 alleles (0.00031%); highest among the groups gnomAD compares: South Asian, 0.0011%; no homozygotes.

Submission:

GeneDx
Classification: Uncertain significance. Last evaluated: 2026-03-03. Review status: criteria provided, single submitter. Criteria: GeneDx Variant Classification Process June 2021. Collection method: clinical testing. Allele origin: germline.
Comment: Not observed at significant frequency in large population cohorts (gnomAD); In silico analysis suggests that this missense variant does not alter protein structure/function; Has not been previously published as pathogenic or benign to our knowledge